The following is an entry in ClinVar:

ClinVar aggregate classification (germline): Pathogenic. Review status: reviewed by expert panel (3 of 4 stars). 4 submissions from 4 submitters: Pathogenic (1). 3 of the submissions do not count toward it. Last evaluated 2016-09-08.

Conditions:
Hereditary cancer-predisposing syndrome. Also called: Hereditary Cancer Syndrome; Neoplastic Syndromes, Hereditary; Hereditary neoplastic syndrome; Tumor predisposition. Identifiers: Orphanet 140162, MedGen C0027672, MeSH D009386, MONDO:0015356.
Hereditary breast ovarian cancer syndrome. Also called: Hereditary breast and ovarian cancer syndrome (HBOC); Breast and ovarian cancer; Hereditary breast and ovarian cancer syndrome; Hereditary breast and ovarian cancer; BRCA1- and BRCA2-Associated Hereditary Breast and Ovarian Cancer; Hereditary breast and/or ovarian cancer syndrome. Identifiers: Orphanet 145, MedGen C0677776, MeSH D061325, MONDO:0003582. Disease mechanism: loss of function.
Breast-ovarian cancer, familial, susceptibility to, 1 (BROVCA1). Also called: BRCA1 Hereditary Breast and Ovarian Cancer; OVARIAN CANCER, SUSCEPTIBILITY TO. Identifiers: Orphanet 145, MedGen C2676676, MONDO:0011450, OMIM 604370. Disease mechanism: loss of function.

Submissions (4):

Evidence-based Network for the Interpretation of Germline Mutant Alleles (ENIGMA)
Classification: Pathogenic for Breast-ovarian cancer, familial, susceptibility to, 1. Last evaluated: 2016-09-08. Review status: reviewed by expert panel. Criteria: ENIGMA BRCA1/2 Classification Criteria (2015). Collection method: curation. Allele origin: germline.
Comment: Variant allele predicted to encode a truncated non-functional protein.

Ambry Genetics
Classification: Pathogenic for Hereditary cancer-predisposing syndrome. Last evaluated: 2025-11-13. Review status: criteria provided, single submitter. Criteria: Ambry Variant Classification Scheme 2023. Collection method: clinical testing. Allele origin: germline. Not counted in ClinVar's aggregate classification.
Comment: The c.211delA pathogenic mutation, located in coding exon 3 of the BRCA1 gene, results from a deletion of one nucleotide at nucleotide position 211, causing a translational frameshift with a predicted alternate stop codon (p.R71Gfs*17). This alteration is expected to result in loss of function by premature protein truncation or nonsense-mediated mRNA decay. As such, this alteration is interpreted as a disease-causing mutation.

Labcorp Genetics (formerly Invitae), Labcorp
Classification: Pathogenic for Hereditary breast ovarian cancer syndrome. Last evaluated: 2020-06-10. Review status: criteria provided, single submitter. Criteria: Invitae Variant Classification Sherloc (09022015). Collection method: clinical testing. Allele origin: germline. Not counted in ClinVar's aggregate classification.
Comment: Loss-of-function variants in BRCA1 are known to be pathogenic (PMID: 20104584). For these reasons, this variant has been classified as Pathogenic. This sequence change creates a premature translational stop signal (p.Arg71Glyfs*17) in the BRCA1 gene. It is expected to result in an absent or disrupted protein product. This variant is not present in population databases (ExAC no frequency). This variant has been observed in individual(s) with clinical features of hereditary breast and ovarian cancer (HBOC) syndrome (PMID: 22762150, 24549055). ClinVar contains an entry for this variant (Variation ID: 254371).

Consortium of Investigators of Modifiers of BRCA1/2 (CIMBA), c/o University of Cambridge
Classification: Pathogenic for Breast-ovarian cancer, familial, susceptibility to, 1. Last evaluated: 2015-10-02. Review status: criteria provided, single submitter. Criteria: CIMBA Mutation Classification guidelines May 2016. Collection method: clinical testing. Allele origin: germline. Not counted in ClinVar's aggregate classification.

Literature cited by the submitters: PubMed 20104584 (cited by Labcorp Genetics (formerly Invitae), Labcorp); PubMed 22762150 (cited by Labcorp Genetics (formerly Invitae), Labcorp); PubMed 24549055 (cited by Labcorp Genetics (formerly Invitae), Labcorp).

NM_007294.4(BRCA1):c.211del (p.Arg71fs)

Gene: BRCA1 (BRCA1 DNA repair associated; minus strand). Cytogenetic location: 17q21.31.
Variant type: Deletion.
Coding change: c.211del on transcript NM_007294.4 (MANE Select); coding-DNA position 211, one base deleted (A; older notation c.211delA).
Protein change: p.Arg71fs; shifts the reading frame from arginine 71.
Molecular consequence: frameshift variant.
Genome position (GRCh38, 1-based): chr17:43,106,457, T deleted on the plus strand (A on the coding strand, the reverse complement: BRCA1 is on the minus strand); the first of 4 consecutive T bases (chr17:43,106,457-43,106,460); deleting any one gives the same sequence. VCF-style (leftmost placement, unchanged base first): chr17-43106456-CT-C. GRCh37 (hg19) VCF-style: chr17-41258473-CT-C.
Other names: c.211delA (NM_007294.3); c.208delA, p.Arg71Glyfs (NM_001407581.1, NM_001407582.1, NM_001407583.1 and 166 more transcripts); c.67delA, p.Arg24Glyfs (NM_001407692.1, NM_001407694.1, NM_001407695.1 and 98 more transcripts); c.70del, p.Arg24fs (NM_007297.4); c.211del, p.Arg71fs (NM_007299.4, NM_007300.4); short protein forms R24fs, R71fs.
Identifiers: ClinVar variation 254371 (VCV000254371.15), dbSNP rs397508938, ClinGen allele CA10586673.